The following is an entry in ClinVar:

ClinVar aggregate classification (germline): Conflicting classifications of pathogenicity. Review status: criteria provided, conflicting classifications (1 of 4 stars). 3 submissions from 3 submitters: Uncertain significance (2); Likely benign (1). Last evaluated 2026-03-17.

Conditions:
Polyps, multiple and recurrent inflammatory fibroid, gastrointestinal. Identifiers: MedGen C5193005, MONDO:0008285, OMIM 175510.
Hereditary cancer-predisposing syndrome. Also called: Neoplastic Syndromes, Hereditary; Hereditary neoplastic syndrome; Hereditary Cancer Syndrome; Tumor predisposition. Identifiers: Orphanet 140162, MedGen C0027672, MeSH D009386, MONDO:0015356.
Gastrointestinal stromal tumor. Also called: Gastrointestinal stromal tumor, somatic; Gastrointestinal stroma tumor. Identifiers: Orphanet 44890, MedGen C0238198, MeSH D046152, MONDO:0011719, OMIM 606764, HP:0100723.

Submissions (3):

Myriad Genetics, Inc.
Classification: Likely benign for Polyps, multiple and recurrent inflammatory fibroid, gastrointestinal. Last evaluated: 2026-03-17. Review status: criteria provided, single submitter. Criteria: Myriad Autosomal Dominant, Autosomal Recessive and X-Linked Classification Criteria (2023). Collection method: clinical testing. Allele origin: unknown.
Comment: This variant is considered likely benign. This variant has been observed at a population frequency that is significantly greater than expected given the associated disease prevalence and penetrance.

Labcorp Genetics (formerly Invitae), Labcorp
Classification: Uncertain significance for Gastrointestinal stromal tumor. Last evaluated: 2026-01-17. Review status: criteria provided, single submitter. Criteria: Invitae Variant Classification Sherloc (09022015). Collection method: clinical testing. Allele origin: germline.
Comment: This sequence change replaces valine, which is neutral and non-polar, with isoleucine, which is neutral and non-polar, at codon 205 of the PDGFRA protein (p.Val205Ile). Information on the frequency of this variant in the gnomAD database is not available, as this variant may be reported differently in the database. This variant has not been reported in the literature in individuals affected with PDGFRA-related conditions. ClinVar contains an entry for this variant (Variation ID: 240354). An algorithm developed to predict the effect of missense changes on protein structure and function outputs the following: PolyPhen-2: "Not Available". The isoleucine amino acid residue is found in multiple mammalian species, which suggests that this missense change does not adversely affect protein function. In summary, the available evidence is currently insufficient to determine the role of this variant in disease. Therefore, it has been classified as a Variant of Uncertain Significance.

Ambry Genetics
Classification: Uncertain significance for Hereditary cancer-predisposing syndrome. Last evaluated: 2024-12-12. Review status: criteria provided, single submitter. Criteria: Ambry Variant Classification Scheme 2023. Collection method: clinical testing. Allele origin: germline.
Comment: The c.612_613delTGinsCA variant, located in coding exon 3 of the PDGFRA gene, results from an in-frame deletion of TG and insertion of CA at nucleotide positions 612 to 613. This results in the substitution of the valine residue for an isoleucine residue at codon 205, an amino acid with highly similar properties. This amino acid position is poorly conserved in available vertebrate species. Based on the available evidence, the clinical significance of this variant remains unclear.

NM_006206.6(PDGFRA):c.612_613inv (p.Val205Ile)

Gene: PDGFRA (platelet derived growth factor receptor alpha; plus strand). Cytogenetic location: 4q12.
Variant type: Inversion.
Coding change: c.612_613inv on transcript NM_006206.6 (MANE Select).
Protein change: p.Val205Ile; replaces valine 205 with isoleucine.
Molecular consequence: missense variant.
Genome position: GRCh38 VCF-style: chr4-54263911-TG-CA. GRCh37 (hg19) VCF-style: chr4-55130078-TG-CA.
Other names: c.612_613delinsCA (NM_006206.4); c.612_613inv, p.Val205Ile (NM_001347827.2, NM_001347829.2); c.687_688inv, p.Val230Ile (NM_001347828.2); c.651_652inv, p.Val218Ile (NM_001347830.2); short protein forms V218I, V230I, V205I.
Identifiers: ClinVar variation 240354 (VCV000240354.14), ClinGen allele CA10582232.